The following is an entry in ClinVar:

ClinVar aggregate classification (germline): Uncertain significance (1 of 4 stars; one submission).

Allele frequency attached by ClinVar (database versions not stated): gnomAD exomes below 0.00001 and 0.00001.
gnomAD v4.1: 13 of 1,610,828 alleles (0.00081%); highest among the groups gnomAD compares: Admixed American, 0.0017%; no homozygotes.

Submission:

Labcorp Genetics (formerly Invitae), Labcorp
Classification: Uncertain significance. Last evaluated: 2024-02-24. Review status: criteria provided, single submitter. Criteria: Invitae Variant Classification Sherloc (09022015). Collection method: clinical testing. Allele origin: germline.
Comment: This sequence change replaces leucine with phenylalanine at codon 234 of the JAK1 protein (p.Leu234Phe). The leucine residue is weakly conserved and there is a small physicochemical difference between leucine and phenylalanine. The frequency data for this variant in the population databases is considered unreliable, as metrics indicate poor data quality at this position in the gnomAD database. This variant has not been reported in the literature in individuals affected with JAK1-related conditions. ClinVar contains an entry for this variant (Variation ID: 1460896). An algorithm developed to predict the effect of missense changes on protein structure and function (PolyPhen-2) suggests that this variant is likely to be tolerated. In summary, the available evidence is currently insufficient to determine the role of this variant in disease. Therefore, it has been classified as a Variant of Uncertain Significance.

NM_002227.4(JAK1):c.700C>T (p.Leu234Phe)

Gene: JAK1 (Janus kinase 1; minus strand). Cytogenetic location: 1p31.3.
Variant type: single nucleotide variant.
Coding change: c.700C>T on transcript NM_002227.4 (MANE Select); coding-DNA position 700, C replaced by T.
Protein change: p.Leu234Phe; replaces leucine 234 with phenylalanine.
Molecular consequence: missense variant.
Genome position (GRCh38, 1-based): chr1:64,867,156, G>A on the plus strand (C>T on the coding strand, the complement: JAK1 is on the minus strand). VCF-style: chr1-64867156-G-A. GRCh37 (hg19) VCF-style: chr1-65332839-G-A.
Other names: c.700C>T, p.Leu234Phe (NM_001320923.2, NM_001321852.2, NM_001321853.2 and 4 more transcripts); short protein forms L234F.
Identifiers: ClinVar variation 1460896 (VCV001460896.6), dbSNP rs1011933184, ClinGen allele CA23918915.